The following is an entry in ClinVar:

NM_016151.4(TAOK2):c.3140C>A (p.Ala1047Asp)

Gene: TAOK2 (TAO kinase 2; plus strand). Cytogenetic location: 16p11.2.
Variant type: single nucleotide variant.
Coding change: c.3140C>A on transcript NM_016151.4 (MANE Select); coding-DNA position 3140, C replaced by A.
Protein change: p.Ala1047Asp; replaces alanine 1047 with aspartic acid.
Molecular consequence: missense variant. On other transcripts: intron variant (1).
Genome position (GRCh38, 1-based): chr16:29,987,412, C>A. VCF-style: chr16-29987412-C-A. GRCh37 (hg19) VCF-style: chr16-29998733-C-A.
Other names: c.2801C>A, p.Ala934Asp (NM_001252043.2); c.2232+908C>A (NM_004783.4); short protein forms A934D, A1047D.
Identifiers: ClinVar variation 1369371 (VCV001369371.8), dbSNP rs1440224288, ClinGen allele CA395498561.

ClinVar aggregate classification (germline): Uncertain significance (1 of 4 stars; one submission).

Submission:

Labcorp Genetics (formerly Invitae), Labcorp
Classification: Uncertain significance. Last evaluated: 2021-07-22. Review status: criteria provided, single submitter. Criteria: Invitae Variant Classification Sherloc (09022015). Collection method: clinical testing. Allele origin: germline.
Comment: In summary, the available evidence is currently insufficient to determine the role of this variant in disease. Therefore, it has been classified as a Variant of Uncertain Significance. Algorithms developed to predict the effect of missense changes on protein structure and function are either unavailable or do not agree on the potential impact of this missense change (SIFT: "Tolerated"; PolyPhen-2: "Probably Damaging"; Align-GVGD: "Class C0"). This variant has not been reported in the literature in individuals affected with TAOK2-related conditions. This variant is not present in population databases (ExAC no frequency). This sequence change replaces alanine with aspartic acid at codon 1047 of the TAOK2 protein (p.Ala1047Asp). The alanine residue is weakly conserved and there is a moderate physicochemical difference between alanine and aspartic acid.